The following is an entry in ClinVar:

NM_007289.4(MME):c.1700C>A (p.Ala567Asp)

Gene: MME (membrane metalloendopeptidase; plus strand). Cytogenetic location: 3q25.2.
Variant type: single nucleotide variant.
Coding change: c.1700C>A on transcript NM_007289.4 (MANE Select); coding-DNA position 1700, C replaced by A.
Protein change: p.Ala567Asp; replaces alanine 567 with aspartic acid.
Molecular consequence: missense variant.
Genome position (GRCh38, 1-based): chr3:155,166,941, C>A. VCF-style: chr3-155166941-C-A. GRCh37 (hg19) VCF-style: chr3-154884730-C-A.
Other names: c.1700C>A, p.Ala567Asp (NM_000902.5, NM_001354642.2, NM_001354643.1 and 2 more transcripts); short protein forms A567D.
Identifiers: ClinVar variation 1516777 (VCV001516777.8), dbSNP rs202024179, ClinGen allele CA2675606.

ClinVar aggregate classification (germline): Uncertain significance (1 of 4 stars; one submission).

Allele frequency attached by ClinVar (database versions not stated): gnomAD 0.00001; gnomAD exomes 0.00002 and 0.00004; ExAC 0.00006; TOPMed below 0.00001.
gnomAD v4.1: 35 of 1,613,586 alleles (0.0022%); highest among the groups gnomAD compares: South Asian, 0.036%; no homozygotes.

Submission:

Labcorp Genetics (formerly Invitae), Labcorp
Classification: Uncertain significance. Last evaluated: 2023-08-24. Review status: criteria provided, single submitter. Criteria: Invitae Variant Classification Sherloc (09022015). Collection method: clinical testing. Allele origin: germline.
Comment: ClinVar contains an entry for this variant (Variation ID: 1516777). In summary, the available evidence is currently insufficient to determine the role of this variant in disease. Therefore, it has been classified as a Variant of Uncertain Significance. Advanced modeling of protein sequence and biophysical properties (such as structural, functional, and spatial information, amino acid conservation, physicochemical variation, residue mobility, and thermodynamic stability) performed at Invitae indicates that this missense variant is not expected to disrupt MME protein function. This missense change has been observed in individual(s) with clinical features of MME-related conditions (Invitae). In at least one individual the data is consistent with being in trans (on the opposite chromosome) from a pathogenic variant. This variant is present in population databases (rs202024179, gnomAD 0.03%). This sequence change replaces alanine, which is neutral and non-polar, with aspartic acid, which is acidic and polar, at codon 567 of the MME protein (p.Ala567Asp).